The following is an entry in ClinVar:

ClinVar aggregate classification (germline): Uncertain significance (1 of 4 stars; one submission).

Conditions:
Inborn genetic diseases. Identifiers: MedGen C0950123, MeSH D030342.

Allele frequency attached by ClinVar (database versions not stated): gnomAD 0.00001; TOPMed 0.00002.
gnomAD v4.1: 2 of 1,609,276 alleles (0.00012%); highest among the groups gnomAD compares: African/African-American, 0.0027%; no homozygotes.

Submission:

Ambry Genetics
Classification: Uncertain significance for Inborn genetic diseases. Last evaluated: 2022-02-09. Review status: criteria provided, single submitter. Criteria: Ambry Variant Classification Scheme 2023. Collection method: clinical testing. Allele origin: germline.
Comment: The p.L838P variant (also known as c.2513T>C), located in coding exon 13 of the IGHMBP2 gene, results from a T to C substitution at nucleotide position 2513. The leucine at codon 838 is replaced by proline, an amino acid with similar properties. This amino acid position is conserved. In addition, this alteration is predicted to be tolerated by in silico analysis. Since supporting evidence is limited at this time, the clinical significance of this alteration remains unclear.

NM_002180.3(IGHMBP2):c.2513T>C (p.Leu838Pro)

Gene: IGHMBP2 (immunoglobulin mu DNA binding protein 2; plus strand). Cytogenetic location: 11q13.3.
Variant type: single nucleotide variant.
Coding change: c.2513T>C on transcript NM_002180.3 (MANE Select); coding-DNA position 2513, T replaced by C.
Protein change: p.Leu838Pro; replaces leucine 838 with proline.
Molecular consequence: missense variant.
Genome position (GRCh38, 1-based): chr11:68,936,993, T>C. VCF-style: chr11-68936993-T-C. GRCh37 (hg19) VCF-style: chr11-68704461-T-C.
Other names: short protein forms L838P.
Identifiers: ClinVar variation 1792430 (VCV001792430.2), dbSNP rs755843076, ClinGen allele CA6153926.
Genomic context (GRCh38, chr11:68,936,993, plus strand): 5'-CTCCCAGGGAGCAGCGTGGCCCAGACCAGCCTGATCTGAGGACGCTGCACCTGGAGAGAC[T>C]GCAGAGGGTCAGGAGCGCGCAGGGGCAGCCCGCCAGCAAGGAGCAGCAGGCCTCAGGGCA-3'
Protein context (NP_002171.2, residues 828-848): PDLRTLHLER[Leu838Pro]QRVRSAQGQP